The following is an entry in ClinVar:

NM_001374828.1(ARID1B):c.3298G>A (p.Ala1100Thr)

Gene: ARID1B (AT-rich interaction domain 1B; plus strand). Cytogenetic location: 6q25.3.
Variant type: single nucleotide variant.
Coding change: c.3298G>A on transcript NM_001374828.1 (MANE Select); coding-DNA position 3298, G replaced by A.
Protein change: p.Ala1100Thr; replaces alanine 1100 with threonine.
Molecular consequence: missense variant.
Genome position (GRCh38, 1-based): chr6:157,174,070, G>A. VCF-style: chr6-157174070-G-A. GRCh37 (hg19) VCF-style: chr6-157495204-G-A.
Other names: c.799G>A, p.Ala267Thr (NM_001363725.2, NM_001438488.1); c.3337G>A, p.Ala1113Thr (NM_001371656.1, NM_001374820.1); c.3427G>A, p.Ala1143Thr (NM_001438482.1); c.3340G>A, p.Ala1114Thr (NM_001438483.1, NM_001438486.1); c.3208G>A, p.Ala1070Thr (NM_001438485.1); c.3118G>A, p.Ala1040Thr (NM_001438487.1); c.3298G>A, p.Ala1100Thr (NM_017519.3); short protein forms A1040T, A1070T, A1100T, A1113T, A1114T, A1143T, A267T.
Identifiers: ClinVar variation 5039489 (VCV005039489.1).

ClinVar aggregate classification (germline): Likely benign (1 of 4 stars; one submission).

gnomAD v4.1: 23 of 1,614,002 alleles (0.0014%); highest among the groups gnomAD compares: African/African-American, 0.0027%; no homozygotes.

Submission:

CeGaT Center for Human Genetics Tuebingen
Classification: Likely benign. Last evaluated: 2026-08-01. Review status: criteria provided, single submitter. Criteria: CeGaT Center For Human Genetics Tuebingen Variant Classification Criteria Version 2. Collection method: clinical testing. Allele origin: germline. Affected: yes. Observed: 1 variant allele.
Comment: ARID1B: BP4